The following is an entry in ClinVar:

NM_024422.6(DSC2):c.360A>G (p.Leu120=)

Gene: DSC2 (desmocollin 2; minus strand). Cytogenetic location: 18q12.1.
Variant type: single nucleotide variant.
Coding change: c.360A>G on transcript NM_024422.6 (MANE Select); coding-DNA position 360, A replaced by G.
Protein change: p.Leu120=; no amino-acid change (leucine 120 retained).
Molecular consequence: synonymous variant.
Genome position (GRCh38, 1-based): chr18:31,091,142, T>C on the plus strand (A>G on the coding strand, the complement: DSC2 is on the minus strand). VCF-style: chr18-31091142-T-C. GRCh37 (hg19) VCF-style: chr18-28671105-T-C.
Other names: c.360A>G, p.Leu120= (NM_004949.5).
Identifiers: ClinVar variation 241474 (VCV000241474.21), dbSNP rs375772629, ClinGen allele CA038166.

ClinVar aggregate classification (germline): Likely benign. Review status: criteria provided, multiple submitters, no conflicts (2 of 4 stars). 7 submissions from 7 submitters: Likely benign (7). Last evaluated 2026-02-16.

Conditions:
Cardiovascular phenotype. Identifiers: MedGen CN230736.
Cardiomyopathy (CMYO). Also called: Cardiomyopathies. Identifiers: Orphanet 167848, MedGen C0878544, MONDO:0004994, HP:0001638. Inheritance: Various modes of inheritance.
Arrhythmogenic right ventricular dysplasia 11. Also called: Arrhythmogenic Right Ventricular Dysplasia/Cardiomyopathy11; ARRHYTHMOGENIC RIGHT VENTRICULAR DYSPLASIA, FAMILIAL, 11; Arrhythmogenic right ventricular dysplasia 11 with mild palmoplantar keratoderma and woolly hair. Identifiers: MedGen C1864850, MONDO:0012506, OMIM 610476.
Familial isolated arrhythmogenic right ventricular dysplasia. Identifiers: Orphanet 217656, MedGen C4274968, MONDO:0016342.

Allele frequency attached by ClinVar (database versions not stated): ExAC 0.00003; gnomAD 0.00002 and 0.00003; gnomAD exomes 0.00004 and 0.00009; ESP Exome Variant Server 0.00008; TOPMed 0.00003.
gnomAD v4.1: 130 of 1,613,800 alleles (0.0081%); highest among the groups gnomAD compares: Non-Finnish European, 0.011%; no homozygotes.

Submissions (7):

Women's Health and Genetics/Laboratory Corporation of America, LabCorp
Classification: Likely benign. Last evaluated: 2026-02-16. Review status: criteria provided, single submitter. Criteria: LabCorp Variant Classification Summary - May 2015. Collection method: clinical testing. Allele origin: germline.

Labcorp Genetics (formerly Invitae), Labcorp
Classification: Likely benign for Arrhythmogenic right ventricular dysplasia 11. Last evaluated: 2026-01-05. Review status: criteria provided, single submitter. Criteria: Invitae Variant Classification Sherloc (09022015). Collection method: clinical testing. Allele origin: germline.

All of Us Research Program, National Institutes of Health
Classification: Likely benign for Familial isolated arrhythmogenic right ventricular dysplasia. Last evaluated: 2024-01-11. Review status: criteria provided, single submitter. Criteria: ACMG Guidelines, 2015. Collection method: clinical testing. Allele origin: germline. Inheritance: Autosomal dominant inheritance. Observed: 13 variant alleles, 13 heterozygotes.
Comment: This study involves interpretation of variants in research participants for the purpose of population health screening. Participant phenotype was not available at the time of variant classification. Additional details can be found in publication PMID: 35346344, PMCID: PMC8962531

GeneDx
Classification: Likely benign. Last evaluated: 2019-12-18. Review status: criteria provided, single submitter. Criteria: GeneDx Variant Classification Process June 2021. Collection method: clinical testing. Allele origin: germline. Affected: yes.

CHEO Genetics Diagnostic Laboratory, Children's Hospital of Eastern Ontario
Classification: Likely benign for Cardiomyopathy. Last evaluated: 2019-08-12. Review status: criteria provided, single submitter. Criteria: ACMG Guidelines, 2015. Collection method: clinical testing. Allele origin: germline.

Ambry Genetics
Classification: Likely benign for Cardiovascular phenotype. Last evaluated: 2019-04-16. Review status: criteria provided, single submitter. Criteria: Ambry Variant Classification Scheme 2023. Collection method: clinical testing. Allele origin: germline.

Color Diagnostics, LLC DBA Color Health
Classification: Likely benign for Cardiomyopathy. Last evaluated: 2019-02-21. Review status: criteria provided, single submitter. Criteria: ACMG Guidelines, 2015. Collection method: clinical testing. Allele origin: germline.